The following is an entry in ClinVar:

NM_022114.4(PRDM16):c.3221C>T (p.Ser1074Leu)

Gene: PRDM16 (PR/SET domain 16; plus strand). Cytogenetic location: 1p36.32.
Variant type: single nucleotide variant.
Coding change: c.3221C>T on transcript NM_022114.4 (MANE Select); coding-DNA position 3221, C replaced by T.
Protein change: p.Ser1074Leu; replaces serine 1074 with leucine.
Molecular consequence: missense variant.
Genome position (GRCh38, 1-based): chr1:3,426,162, C>T. VCF-style: chr1-3426162-C-T. GRCh37 (hg19) VCF-style: chr1-3342726-C-T.
Other names: c.3221C>T, p.Ser1074Leu (NM_199454.3); short protein forms S1074L.
Identifiers: ClinVar variation 1198453 (VCV001198453.7), dbSNP rs572178955, ClinGen allele CA544777.

ClinVar aggregate classification (germline): Uncertain significance. Review status: criteria provided, multiple submitters, no conflicts (2 of 4 stars). 2 submissions from 2 submitters: Uncertain significance (2). Last evaluated 2025-11-13.

Conditions:
Left ventricular noncompaction 8 (LVNC8). Identifiers: Orphanet 154, Orphanet 54260, MedGen C3809288, MONDO:0014152, OMIM 615373.

Allele frequency attached by ClinVar (database versions not stated): gnomAD exomes 0.00002 and 0.00005; ExAC 0.00005; gnomAD 0.00009 and 0.00011; TOPMed 0.00013; 1000 Genomes Project 30x 0.00031; 1000 Genomes Project 0.00040.
gnomAD v4.1: 42 of 1,613,854 alleles (0.0026%); highest among the groups gnomAD compares: African/African-American, 0.023%; no homozygotes.

Submissions (2):

Labcorp Genetics (formerly Invitae), Labcorp
Classification: Uncertain significance for Left ventricular noncompaction 8. Last evaluated: 2025-11-13. Review status: criteria provided, single submitter. Criteria: Invitae Variant Classification Sherloc (09022015). Collection method: clinical testing. Allele origin: germline.
Comment: This sequence change replaces serine, which is neutral and polar, with leucine, which is neutral and non-polar, at codon 1074 of the PRDM16 protein (p.Ser1074Leu). This variant is present in population databases (rs572178955, gnomAD 0.03%). This missense change has been observed in individual(s) with dilated cardiomyopathy (PMID: 32880476, 37198425). ClinVar contains an entry for this variant (Variation ID: 1198453). An algorithm developed to predict the effect of missense changes on protein structure and function (PolyPhen-2) suggests that this variant is likely to be disruptive. In summary, the available evidence is currently insufficient to determine the role of this variant in disease. Therefore, it has been classified as a Variant of Uncertain Significance.

GeneDx
Classification: Uncertain significance. Last evaluated: 2020-10-29. Review status: criteria provided, single submitter. Criteria: GeneDx Variant Classification Process June 2021. Collection method: clinical testing. Allele origin: germline. Affected: yes.
Comment: Has not been previously published as pathogenic or benign to our knowledge; In silico analysis, which includes protein predictors and evolutionary conservation, supports a deleterious effect; This variant is associated with the following publications: (PMID: 32880476)

Literature cited by the submitters: PubMed 32880476 (cited by Labcorp Genetics (formerly Invitae), Labcorp); PubMed 37198425 (cited by Labcorp Genetics (formerly Invitae), Labcorp).